The following is an entry in ClinVar:

NM_001376013.1(EPB41):c.1369G>A (p.Glu457Lys)

Gene: EPB41 (erythrocyte membrane protein band 4.1; plus strand). Cytogenetic location: 1p35.3.
Variant type: single nucleotide variant.
Coding change: c.1369G>A on transcript NM_001376013.1 (MANE Select); coding-DNA position 1369, G replaced by A.
Protein change: p.Glu457Lys; replaces glutamic acid 457 with lysine.
Molecular consequence: missense variant.
Genome position (GRCh38, 1-based): chr1:29,035,829, G>A. VCF-style: chr1-29035829-G-A. GRCh37 (hg19) VCF-style: chr1-29362341-G-A.
Other names: c.1369G>A, p.Glu457Lys (NM_001166005.2, NM_001166006.2, NM_001376014.1 and 7 more transcripts); c.742G>A, p.Glu248Lys (NM_001166007.2, NM_203342.3, NM_001376022.1 and 7 more transcripts); c.1264G>A, p.Glu422Lys (NM_203343.3); short protein forms E248K, E422K, E457K.
Identifiers: ClinVar variation 3067262 (VCV003067262.22), dbSNP rs761433669, ClinGen allele CA724508.

ClinVar aggregate classification (germline): Uncertain significance. Review status: criteria provided, multiple submitters, no conflicts (2 of 4 stars). 2 submissions from 2 submitters: Uncertain significance (2). Last evaluated 2026-01-12.

Allele frequency attached by ClinVar (database versions not stated): TOPMed 0.00010; gnomAD 0.00007.
gnomAD v4.1: 233 of 1,612,462 alleles (0.014%); highest among the groups gnomAD compares: Non-Finnish European, 0.018%; no homozygotes.

Submissions (2):

Labcorp Genetics (formerly Invitae), Labcorp
Classification: Uncertain significance. Last evaluated: 2026-01-12. Review status: criteria provided, single submitter. Criteria: Invitae Variant Classification Sherloc (09022015). Collection method: clinical testing. Allele origin: germline.
Comment: This sequence change replaces glutamic acid, which is acidic and polar, with lysine, which is basic and polar, at codon 248 of the EPB41 protein (p.Glu248Lys). This variant is present in population databases (rs761433669, gnomAD 0.02%). This variant has not been reported in the literature in individuals affected with EPB41-related conditions. ClinVar contains an entry for this variant (Variation ID: 3067262). Invitae Evidence Modeling of protein sequence and biophysical properties (such as structural, functional, and spatial information, amino acid conservation, physicochemical variation, residue mobility, and thermodynamic stability) indicates that this missense variant is expected to disrupt EPB41 protein function with a positive predictive value of 80%. In summary, the available evidence is currently insufficient to determine the role of this variant in disease. Therefore, it has been classified as a Variant of Uncertain Significance.

CeGaT Center for Human Genetics Tuebingen
Classification: Uncertain significance. Last evaluated: 2024-03-01. Review status: criteria provided, single submitter. Criteria: CeGaT Center For Human Genetics Tuebingen Variant Classification Criteria Version 2. Collection method: clinical testing. Allele origin: germline. Affected: yes. Observed: 1 variant allele.
Comment: EPB41: PM2, PP3